The following is an entry in ClinVar:

NM_198525.3(KIF7):c.2501A>G (p.Gln834Arg)

Gene: KIF7 (kinesin family member 7; minus strand). Cytogenetic location: 15q26.1.
Variant type: single nucleotide variant.
Coding change: c.2501A>G on transcript NM_198525.3 (MANE Select); coding-DNA position 2501, A replaced by G.
Protein change: p.Gln834Arg; replaces glutamine 834 with arginine.
Molecular consequence: missense variant.
Genome position (GRCh38, 1-based): chr15:89,633,777, T>C on the plus strand (A>G on the coding strand, the complement: KIF7 is on the minus strand). VCF-style: chr15-89633777-T-C. GRCh37 (hg19) VCF-style: chr15-90177008-T-C.
Other names: short protein forms Q834R.
Identifiers: ClinVar variation 252807 (VCV000252807.65), dbSNP rs138354681, ClinGen allele CA7728123.

ClinVar aggregate classification (germline): Conflicting classifications of pathogenicity. Review status: criteria provided, conflicting classifications (1 of 4 stars). 12 submissions from 12 submitters: Uncertain significance (1); Benign (3); Likely benign (7). 1 of the submissions does not count toward it. Last evaluated 2026-09-01.

Conditions:
Nephronophthisis. Also called: Juvenile Nephronophthisis. Identifiers: Orphanet 655, MedGen C0687120, MONDO:0019005, HP:0000090.
Acrocallosal syndrome (ACLS). Also called: Schinzel syndrome 1; Absence of corpus callosum with unusual facial appearance, mental deficiency, duplication of the halluces and polydactyly; HALLUX DUPLICATION, POSTAXIAL POLYDACTYLY, AND ABSENCE OF CORPUS CALLOSUM. Identifiers: Orphanet 36, MedGen C0796147, MONDO:0008708, OMIM 200990.
Intellectual disability. Also called: intellectual disabilities; Intellectual functioning disability; Intellectual developmental disorder. Identifiers: MedGen C3714756, MeSH D008607, MONDO:0001071, HP:0001249.

Allele frequency attached by ClinVar (database versions not stated): 1000 Genomes Project 30x 0.00094; 1000 Genomes Project 0.00100; ESP Exome Variant Server 0.00238; TOPMed 0.00292; gnomAD 0.00304 and 0.00308; ExAC 0.00326; gnomAD exomes 0.00327 and 0.00463.
gnomAD v4.1: 7,258 of 1,611,624 alleles (0.45%); highest among the groups gnomAD compares: Non-Finnish European, 0.53%; 24 homozygotes.

Submissions (12):

CeGaT Center for Human Genetics Tuebingen
Classification: Likely benign. Last evaluated: 2026-09-01. Review status: criteria provided, single submitter. Criteria: CeGaT Center For Human Genetics Tuebingen Variant Classification Criteria Version 2. Collection method: clinical testing. Allele origin: germline. Affected: yes. Observed: 42 variant alleles.
Comment: KIF7: BS2

Labcorp Genetics (formerly Invitae), Labcorp
Classification: Benign for Acrocallosal syndrome. Last evaluated: 2026-01-27. Review status: criteria provided, single submitter. Criteria: Invitae Variant Classification Sherloc (09022015). Collection method: clinical testing. Allele origin: germline.

Mayo Clinic Laboratories, Mayo Clinic
Classification: Benign. Last evaluated: 2025-08-20. Review status: criteria provided, single submitter. Criteria: ACMG Guidelines, 2015. Collection method: clinical testing. Allele origin: germline. Observed: 1 variant allele.
Comment: BS1, BS2, BP4

Blueprint Genetics
Classification: Likely benign. Last evaluated: 2024-11-28. Review status: criteria provided, single submitter. Criteria: ACMG Guidelines, 2015. Collection method: clinical testing. Allele origin: germline.

GeneDx
Classification: Likely benign. Last evaluated: 2021-05-12. Review status: criteria provided, single submitter. Criteria: GeneDx Variant Classification Process June 2021. Collection method: clinical testing. Allele origin: germline. Affected: yes.
Comment: This variant is associated with the following publications: (PMID: 21552264, 29343940, 28700940)

Genetic Services Laboratory, University of Chicago
Classification: Likely benign. Last evaluated: 2020-09-07. Review status: criteria provided, single submitter. Criteria: ACMG Guidelines, 2015. Collection method: clinical testing. Allele origin: germline. Affected: no.

Cambridge Genomics Laboratory, East Genomic Laboratory Hub, NHS Genomic Medicine Service
Classification: Benign for Intellectual disability. Last evaluated: 2020-01-13. Review status: criteria provided, single submitter. Criteria: ACGS Best Practice Guidelines for Variant Classification in Rare Disease 2020. Collection method: clinical testing. Allele origin: germline. Affected: yes. Observed: 1 variant allele.

Illumina Laboratory Services, Illumina
Classification: Uncertain significance for Acrocallosal syndrome. Last evaluated: 2017-04-27. Review status: criteria provided, single submitter. Criteria: ICSL Variant Classification Criteria 13 December 2019. Collection method: clinical testing. Allele origin: germline.
Comment: This variant was observed as part of a predisposition screen in an ostensibly healthy population. A literature search was performed for the gene, cDNA change, and amino acid change (where applicable). Publications were found based on this search. However, the evidence from the literature, in combination with allele frequency data from public databases where available, was not sufficient to rule this variant in or out of causing disease. Therefore, this variant is classified as a variant of unknown significance.

Center for Pediatric Genomic Medicine, Children's Mercy Hospital and Clinics
Classification: Likely benign. Last evaluated: 2017-04-12. Review status: criteria provided, single submitter. Criteria: ACMG Guidelines, 2015. Collection method: clinical testing. Allele origin: germline.

Eurofins Ntd Llc (ga)
Classification: Likely benign. Last evaluated: 2015-12-08. Review status: criteria provided, single submitter. Criteria: EGL Classification Definitions 2015. Collection method: clinical testing. Allele origin: germline. Observed: 3 variant alleles, 3 heterozygotes.

Genomic Diagnostic Laboratory, Division of Genomic Diagnostics, Children's Hospital of Philadelphia
Classification: Likely benign. Last evaluated: 2015-10-02. Review status: criteria provided, single submitter. Criteria: DGD Variant Analysis Guidelines. Collection method: clinical testing. Allele origin: unknown.

Sydney Genome Diagnostics, Children's Hospital Westmead
Classification: Likely benign for Nephronophthisis. Last evaluated: 2018-09-05. Review status: no assertion criteria provided. Collection method: clinical testing. Allele origin: unknown. Affected: yes. Observed: 1 variant allele, 1 heterozygote. Not counted in ClinVar's aggregate classification.

Literature cited by the submitters: PubMed 21552264 (cited by Mayo Clinic Laboratories, Mayo Clinic and Illumina Laboratory Services, Illumina); PubMed 29343940 (cited by Mayo Clinic Laboratories, Mayo Clinic).